The following is an entry in ClinVar:

NM_000393.5(COL5A2):c.1617G>T (p.Lys539Asn)

Gene: COL5A2 (collagen type V alpha 2 chain; minus strand). Cytogenetic location: 2q32.2.
Variant type: single nucleotide variant.
Coding change: c.1617G>T on transcript NM_000393.5 (MANE Select); coding-DNA position 1617, G replaced by T.
Protein change: p.Lys539Asn; replaces lysine 539 with asparagine.
Molecular consequence: missense variant.
Genome position (GRCh38, 1-based): chr2:189,065,004, C>A on the plus strand (G>T on the coding strand, the complement: COL5A2 is on the minus strand). VCF-style: chr2-189065004-C-A. GRCh37 (hg19) VCF-style: chr2-189929730-C-A.
Other names: short protein forms K539N.
Identifiers: ClinVar variation 2756611 (VCV002756611.3), dbSNP rs2469302146, ClinGen allele CA349850797.
Genomic context (GRCh38, chr2:189,065,004, plus strand): 5'-AAAATGGCATCTTCTGGAGCACCCCCCACGTAAGTATCAACATTGACAGGGCAACCTCAC[C>A]TTTGGCCCAGGTAAACCATCAGAGCCTGGAAAACCACGATTGCCAGGAGCACCCTACAAA-3'
Protein context (NP_000384.2, residues 529-549): FPGSDGLPGP[Lys539Asn]GAQGERGPVG

ClinVar aggregate classification (germline): Uncertain significance (1 of 4 stars; one submission).

Conditions:
Ehlers-Danlos syndrome, classic type, 1 (EDSCL1). Also called: EHLERS-DANLOS SYNDROME, GRAVIS TYPE; EHLERS-DANLOS SYNDROME, SEVERE CLASSIC TYPE; Ehlers-Danlos syndrome, type 1; Ehlers-Danlos Syndrome, Classic Type, COL5A1-Related; EDS I. Identifiers: MedGen C0268335, MONDO:0019567, OMIM 130000.

Submission:

Labcorp Genetics (formerly Invitae), Labcorp
Classification: Uncertain significance for Ehlers-Danlos syndrome, classic type, 1. Last evaluated: 2023-08-30. Review status: criteria provided, single submitter. Criteria: Invitae Variant Classification Sherloc (09022015). Collection method: clinical testing. Allele origin: germline.
Comment: This variant has not been reported in the literature in individuals affected with COL5A2-related conditions. In summary, the available evidence is currently insufficient to determine the role of this variant in disease. Therefore, it has been classified as a Variant of Uncertain Significance. Variants that disrupt the consensus splice site are a relatively common cause of aberrant splicing (PMID: 17576681, 9536098). Algorithms developed to predict the effect of sequence changes on RNA splicing suggest that this variant may disrupt the consensus splice site. An algorithm developed to predict the effect of missense changes on protein structure and function (PolyPhen-2) suggests that this variant is likely to be disruptive. This variant is not present in population databases (gnomAD no frequency). This sequence change replaces lysine, which is basic and polar, with asparagine, which is neutral and polar, at codon 539 of the COL5A2 protein (p.Lys539Asn). This variant also falls at the last nucleotide of exon 24, which is part of the consensus splice site for this exon.

Literature cited by the submitters: PubMed 17576681; PubMed 9536098.